The following is an entry in ClinVar:

NM_147127.5(EVC2):c.960G>C (p.Met320Ile)

Gene: EVC2 (EvC ciliary complex subunit 2; minus strand). Cytogenetic location: 4p16.2.
Variant type: single nucleotide variant.
Coding change: c.960G>C on transcript NM_147127.5 (MANE Select); coding-DNA position 960, G replaced by C.
Protein change: p.Met320Ile; replaces methionine 320 with isoleucine.
Molecular consequence: missense variant.
Genome position (GRCh38, 1-based): chr4:5,665,560, C>G on the plus strand (G>C on the coding strand, the complement: EVC2 is on the minus strand). VCF-style: chr4-5665560-C-G. GRCh37 (hg19) VCF-style: chr4-5667287-C-G.
Other names: c.720G>C, p.Met240Ile (NM_001166136.2); short protein forms M320I, M240I.
Identifiers: ClinVar variation 2149359 (VCV002149359.1), dbSNP rs759639819, ClinGen allele CA2835210.

ClinVar aggregate classification (germline): Uncertain significance (1 of 4 stars; one submission).

Conditions:
Ellis-van Creveld syndrome (EVC). Also called: Chondroectodermal dysplasia; EVC-Related Ellis-van Creveld Syndrome; EVC2-Related Ellis-van Creveld Syndrome; MESOECTODERMAL DYSPLASIA. Identifiers: Orphanet 289, MedGen C0013903, MONDO:0009162, OMIM 225500.
Curry-Hall syndrome (WAD). Also called: WEYERS ACRODENTAL DYSOSTOSIS. Identifiers: Orphanet 952, MedGen C0457013, MONDO:0008673, OMIM 193530.

Allele frequency attached by ClinVar (database versions not stated): TOPMed below 0.00001; gnomAD 0.00001; gnomAD exomes 0.00003; ExAC 0.00005.
gnomAD v4.1: 52 of 1,614,014 alleles (0.0032%); highest among the groups gnomAD compares: South Asian, 0.055%; 1 homozygote.

Submission:

Labcorp Genetics (formerly Invitae), Labcorp
Classification: Uncertain significance for Curry-Hall syndrome; Ellis-van Creveld syndrome. Last evaluated: 2022-05-29. Review status: criteria provided, single submitter. Criteria: Invitae Variant Classification Sherloc (09022015). Collection method: clinical testing. Allele origin: germline.
Comment: This sequence change replaces methionine, which is neutral and non-polar, with isoleucine, which is neutral and non-polar, at codon 320 of the EVC2 protein (p.Met320Ile). This variant is present in population databases (rs759639819, gnomAD 0.06%). This variant has not been reported in the literature in individuals affected with EVC2-related conditions. Algorithms developed to predict the effect of missense changes on protein structure and function (SIFT, PolyPhen-2, Align-GVGD) all suggest that this variant is likely to be tolerated. In summary, the available evidence is currently insufficient to determine the role of this variant in disease. Therefore, it has been classified as a Variant of Uncertain Significance.